The following is an entry in ClinVar:

ClinVar aggregate classification (germline): Uncertain significance (0 of 4 stars; one submission).

Conditions:
GNAS-related disorder. Identifiers: MedGen CN380105.

gnomAD v4.1: 14 of 1,612,880 alleles (0.00087%); highest among the groups gnomAD compares: Middle Eastern, 0.016%; no homozygotes.

Submission:

PreventionGenetics, part of Exact Sciences
Classification: Uncertain significance for GNAS-related condition. Last evaluated: 2024-07-11. Review status: no assertion criteria provided. Collection method: clinical testing. Allele origin: germline.
Comment: The GNAS c.1784G>A variant is predicted to result in the amino acid substitution p.Arg595Gln. To our knowledge, this variant has not been reported in the literature. This variant is reported in 0.0027% of alleles in individuals of European (Non-Finnish) descent in gnomAD. At this time, the clinical significance of this variant is uncertain due to the absence of conclusive functional and genetic evidence.

NM_080425.4(GNAS):c.1784G>A (p.Arg595Gln)

Gene: GNAS (GNAS complex locus; plus strand). Cytogenetic location: 20q13.32.
Variant type: single nucleotide variant.
Coding change: c.1784G>A on transcript NM_080425.4 (MANE Plus Clinical); coding-DNA position 1784, G replaced by A.
Protein change: p.Arg595Gln; replaces arginine 595 with glutamine.
Molecular consequence: missense variant. On other transcripts: intron variant (3).
Genome position (GRCh38, 1-based): chr20:58,855,049, G>A. VCF-style: chr20-58855049-G-A. GRCh37 (hg19) VCF-style: chr20-57430104-G-A.
Other names: c.1597G>A, p.Gly533Ser (NM_001077490.3, NM_001309883.1); c.1784G>A, p.Arg595Gln (NM_001410913.1); c.*42+14163G>A (NM_016592.5); c.43+14163G>A (NM_001410912.1); c.-39+13174G>A (NM_001309861.2); short protein forms G533S, R595Q.
Identifiers: ClinVar variation 3350991 (VCV003350991.1).